The following is an entry in ClinVar:

NM_021625.5(TRPV4):c.286G>T (p.Val96Leu)

Gene: TRPV4 (transient receptor potential cation channel subfamily V member 4; minus strand). Cytogenetic location: 12q24.11.
Variant type: single nucleotide variant.
Coding change: c.286G>T on transcript NM_021625.5 (MANE Select); coding-DNA position 286, G replaced by T.
Protein change: p.Val96Leu; replaces valine 96 with leucine.
Molecular consequence: missense variant.
Genome position (GRCh38, 1-based): chr12:109,814,511, C>A on the plus strand (G>T on the coding strand, the complement: TRPV4 is on the minus strand). VCF-style: chr12-109814511-C-A. GRCh37 (hg19) VCF-style: chr12-110252316-C-A.
Other names: c.286G>T, p.Val96Leu (NM_001177428.2, NM_001177433.2, NM_147204.3); c.184G>T, p.Val62Leu (NM_001177431.2); short protein forms V96L, V62L.
Identifiers: ClinVar variation 2119643 (VCV002119643.4), dbSNP rs762687666, ClinGen allele CA6780583.
Genomic context (GRCh38, chr12:109,814,511, plus strand): 5'-GGTGACGATAGGTGCCGTAGTCAAACAGTGAGTCCATGGGTGCTTTCTTGGGCCCAGGCA[C>A]CACCGAGGACTCATATAGGGTGGACTCCAGCAGATCGATGGGGTTGGGCACCCCCTTGCG-3'
Protein context (NP_067638.3, residues 86-106): LESTLYESSV[Val96Leu]PGPKKAPMDS

ClinVar aggregate classification (germline): Uncertain significance (1 of 4 stars; one submission).

Conditions:
Charcot-Marie-Tooth disease axonal type 2C (HMSN2C). Also called: Charcot-Marie-Tooth Disease Type 2, TRPV4-Related (CMT2C); CHARCOT-MARIE-TOOTH DISEASE, AXONAL, AUTOSOMAL DOMINANT, TYPE 2C; Charcot-Marie-Tooth Neuropathy Type 2C. Identifiers: Orphanet 99937, MedGen C1853710, MONDO:0011633, OMIM 606071.

Allele frequency attached by ClinVar (database versions not stated): gnomAD exomes below 0.00001; ExAC 0.00002.
gnomAD v4.1: 2 of 1,614,144 alleles (0.00012%); highest among the groups gnomAD compares: Admixed American, 0.0033%; no homozygotes.

Submission:

Labcorp Genetics (formerly Invitae), Labcorp
Classification: Uncertain significance for Charcot-Marie-Tooth disease axonal type 2C. Last evaluated: 2022-10-08. Review status: criteria provided, single submitter. Criteria: Invitae Variant Classification Sherloc (09022015). Collection method: clinical testing. Allele origin: germline.
Comment: This sequence change replaces valine, which is neutral and non-polar, with leucine, which is neutral and non-polar, at codon 96 of the TRPV4 protein (p.Val96Leu). This variant is present in population databases (rs762687666, gnomAD 0.006%). This variant has not been reported in the literature in individuals affected with TRPV4-related conditions. Advanced modeling of protein sequence and biophysical properties (such as structural, functional, and spatial information, amino acid conservation, physicochemical variation, residue mobility, and thermodynamic stability) performed at Invitae indicates that this missense variant is not expected to disrupt TRPV4 protein function. In summary, the available evidence is currently insufficient to determine the role of this variant in disease. Therefore, it has been classified as a Variant of Uncertain Significance.